The following is an entry in ClinVar:

ClinVar aggregate classification (germline): Uncertain significance (1 of 4 stars; one submission).

Conditions:
2-aminoadipic 2-oxoadipic aciduria (AAKAD). Also called: Aminoadipic aciduria; ALPHA-AMINOADIPIC AND ALPHA-KETOADIPIC ACIDURIA. Identifiers: Orphanet 79154, MedGen C1859817, MONDO:0008774, OMIM 204750.

gnomAD v4.1: 1 of 1,614,042 alleles (0.000062%); highest among the groups gnomAD compares: Non-Finnish European, 0.000085%; no homozygotes.

Submission:

Labcorp Genetics (formerly Invitae), Labcorp
Classification: Uncertain significance for 2-aminoadipic 2-oxoadipic aciduria. Last evaluated: 2024-02-14. Review status: criteria provided, single submitter. Criteria: Invitae Variant Classification Sherloc (09022015). Collection method: clinical testing. Allele origin: germline.
Comment: This sequence change replaces proline, which is neutral and non-polar, with glutamine, which is neutral and polar, at codon 321 of the DHTKD1 protein (p.Pro321Gln). This variant is not present in population databases (gnomAD no frequency). This variant has not been reported in the literature in individuals affected with DHTKD1-related conditions. An algorithm developed to predict the effect of missense changes on protein structure and function (PolyPhen-2) suggests that this variant is likely to be tolerated. In summary, the available evidence is currently insufficient to determine the role of this variant in disease. Therefore, it has been classified as a Variant of Uncertain Significance.

NM_018706.7(DHTKD1):c.962C>A (p.Pro321Gln)

Gene: DHTKD1 (dehydrogenase E1 and transketolase domain containing 1; plus strand). Cytogenetic location: 10p14.
Variant type: single nucleotide variant.
Coding change: c.962C>A on transcript NM_018706.7 (MANE Select); coding-DNA position 962, C replaced by A.
Protein change: p.Pro321Gln; replaces proline 321 with glutamine.
Molecular consequence: missense variant.
Genome position (GRCh38, 1-based): chr10:12,089,230, C>A. VCF-style: chr10-12089230-C-A. GRCh37 (hg19) VCF-style: chr10-12131229-C-A.
Other names: short protein forms P321Q.
Identifiers: ClinVar variation 2759218 (VCV002759218.3), dbSNP rs755528865, ClinGen allele CA376018870.